The following is an entry in ClinVar:

NM_001378183.1(PIEZO2):c.6247G>A (p.Val2083Ile)

Gene: PIEZO2 (piezo type mechanosensitive ion channel component 2; minus strand). Cytogenetic location: 18p11.22.
Variant type: single nucleotide variant.
Coding change: c.6247G>A on transcript NM_001378183.1 (MANE Select); coding-DNA position 6247, G replaced by A.
Protein change: p.Val2083Ile; replaces valine 2083 with isoleucine.
Molecular consequence: missense variant.
Genome position (GRCh38, 1-based): chr18:10,704,405, C>T on the plus strand (G>A on the coding strand, the complement: PIEZO2 is on the minus strand). VCF-style: chr18-10704405-C-T. GRCh37 (hg19) VCF-style: chr18-10704403-C-T.
Other names: c.5983G>A, p.Val1995Ile (NM_001410871.1); c.5908G>A, p.Val1970Ile (NM_022068.4); short protein forms V1995I, V1970I, V2083I.
Identifiers: ClinVar variation 2898847 (VCV002898847.3), dbSNP rs780925886, ClinGen allele CA8892258.

ClinVar aggregate classification (germline): Uncertain significance (1 of 4 stars; one submission).

Allele frequency attached by ClinVar (database versions not stated): ExAC 0.00006; TOPMed 0.00008; 1000 Genomes Project 30x 0.00016.
gnomAD v4.1: 81 of 1,537,138 alleles (0.0053%); highest among the groups gnomAD compares: African/African-American, 0.0082%; no homozygotes.

Submission:

Labcorp Genetics (formerly Invitae), Labcorp
Classification: Uncertain significance. Last evaluated: 2023-10-05. Review status: criteria provided, single submitter. Criteria: Invitae Variant Classification Sherloc (09022015). Collection method: clinical testing. Allele origin: germline.
Comment: This sequence change replaces valine, which is neutral and non-polar, with isoleucine, which is neutral and non-polar, at codon 1970 of the PIEZO2 protein (p.Val1970Ile). This variant is present in population databases (rs780925886, gnomAD 0.006%). This variant has not been reported in the literature in individuals affected with PIEZO2-related conditions. Advanced modeling of protein sequence and biophysical properties (such as structural, functional, and spatial information, amino acid conservation, physicochemical variation, residue mobility, and thermodynamic stability) performed at Invitae indicates that this missense variant is not expected to disrupt PIEZO2 protein function. In summary, the available evidence is currently insufficient to determine the role of this variant in disease. Therefore, it has been classified as a Variant of Uncertain Significance.